The following is an entry in ClinVar:

ClinVar aggregate classification (germline): Uncertain significance (1 of 4 stars; one submission).

Conditions:
Brugada syndrome 6 (BRGDA6). Identifiers: Orphanet 130, MedGen C2751089, MONDO:0013145, OMIM 613119.

Submission:

Labcorp Genetics (formerly Invitae), Labcorp
Classification: Uncertain significance for Brugada syndrome 6. Last evaluated: 2020-12-03. Review status: criteria provided, single submitter. Criteria: Invitae Variant Classification Sherloc (09022015). Collection method: clinical testing. Allele origin: germline.
Comment: In summary, the available evidence is currently insufficient to determine the role of this variant in disease. Therefore, it has been classified as a Variant of Uncertain Significance. Algorithms developed to predict the effect of missense changes on protein structure and function output the following: SIFT: "Tolerated"; PolyPhen-2: "Benign"; Align-GVGD: "Class C0". The alanine amino acid residue is found in multiple mammalian species, suggesting that this missense change does not adversely affect protein function. These predictions have not been confirmed by published functional studies and their clinical significance is uncertain. This variant has not been reported in the literature in individuals with KCNE3-related conditions. This variant is not present in population databases (ExAC no frequency). This sequence change replaces threonine with alanine at codon 9 of the KCNE3 protein (p.Thr9Ala). The threonine residue is moderately conserved and there is a small physicochemical difference between threonine and alanine.

NM_005472.5(KCNE3):c.25A>G (p.Thr9Ala)

Gene: KCNE3 (potassium voltage-gated channel subfamily E regulatory subunit 3; minus strand). Cytogenetic location: 11q13.4.
Variant type: single nucleotide variant.
Coding change: c.25A>G on transcript NM_005472.5 (MANE Select); coding-DNA position 25, A replaced by G.
Protein change: p.Thr9Ala; replaces threonine 9 with alanine.
Molecular consequence: missense variant.
Genome position (GRCh38, 1-based): chr11:74,457,539, T>C on the plus strand (A>G on the coding strand, the complement: KCNE3 is on the minus strand). VCF-style: chr11-74457539-T-C. GRCh37 (hg19) VCF-style: chr11-74168584-T-C.
Other names: short protein forms T9A.
Identifiers: ClinVar variation 1475770 (VCV001475770.8), dbSNP rs2135004508, ClinGen allele CA381974219.